The following is an entry in ClinVar:

NM_003611.3(OFD1):c.877A>T (p.Met293Leu)

Gene: OFD1 (OFD1 centriole and centriolar satellite protein; plus strand). Cytogenetic location: Xp22.2.
Variant type: single nucleotide variant.
Coding change: c.877A>T on transcript NM_003611.3 (MANE Select); coding-DNA position 877, A replaced by T.
Protein change: p.Met293Leu; replaces methionine 293 with leucine.
Molecular consequence: missense variant.
Genome position (GRCh38, 1-based): chrX:13,749,475, A>T. VCF-style: chrX-13749475-A-T. GRCh37 (hg19) VCF-style: chrX-13767594-A-T.
Other names: c.877A>T (NM_003611.2); c.877A>T, p.Met293Leu (NM_001330209.2); c.457A>T, p.Met153Leu (NM_001330210.2); short protein forms M153L, M293L.
Identifiers: ClinVar variation 1982678 (VCV001982678.4), dbSNP rs755046665, ClinGen allele CA10351704.
Genomic context (GRCh38, chrX:13,749,475, plus strand): 5'-TTTTCTATACAGATTGAAACAAAAGAAATTTATGCTCAAAGGCAACTTTTACTAAAAGAT[A>T]TGGATTTGCTAAGAGGAAGAGAAGCAGAGCTGAAGCAAAGAGTTGAAGCTTTTGAATTGT-3'
Protein context (NP_003602.1, residues 283-303): YAQRQLLLKD[Met293Leu]DLLRGREAEL

ClinVar aggregate classification (germline): Uncertain significance. Review status: criteria provided, multiple submitters, no conflicts (2 of 4 stars). 2 submissions from 2 submitters: Uncertain significance (2). Last evaluated 2026-02-01.

Conditions:
Primary ciliary dyskinesia. Also called: Ciliary dyskinesia. Identifiers: Orphanet 244, MedGen C0008780, MONDO:0016575, HP:0012265.
Joubert syndrome. Also called: JOUBERT-BOLTSHAUSER SYNDROME; Familial aplasia of the vermis. Identifiers: Orphanet 475, MedGen C5979921, MONDO:0018772.
Orofaciodigital syndrome I (OFD1). Also called: OFDS I; Papillon-Leage and Psaume Syndrome; Oral-Facial-Digital Syndrome Type I. Identifiers: Orphanet 2750, MedGen C1510460, MONDO:0010702, OMIM 311200.

Allele frequency attached by ClinVar (database versions not stated): TOPMed below 0.00001; ExAC 0.00001; gnomAD 0.00001; gnomAD exomes 0.00001.
gnomAD v4.1: 14 of 1,201,868 alleles (0.0012%); highest among the groups gnomAD compares: Non-Finnish European, 0.0016%; no homozygotes.

Submissions (2):

Labcorp Genetics (formerly Invitae), Labcorp
Classification: Uncertain significance for Orofaciodigital syndrome I; Joubert syndrome. Last evaluated: 2026-02-01. Review status: criteria provided, single submitter. Criteria: Invitae Variant Classification Sherloc (09022015). Collection method: clinical testing. Allele origin: germline.
Comment: This sequence change replaces methionine, which is neutral and non-polar, with leucine, which is neutral and non-polar, at codon 293 of the OFD1 protein (p.Met293Leu). This variant is present in population databases (rs755046665, gnomAD 0.004%). This variant has not been reported in the literature in individuals affected with OFD1-related conditions. ClinVar contains an entry for this variant (Variation ID: 1982678). Invitae Evidence Modeling of protein sequence and biophysical properties (such as structural, functional, and spatial information, amino acid conservation, physicochemical variation, residue mobility, and thermodynamic stability) indicates that this missense variant is not expected to disrupt OFD1 protein function with a negative predictive value of 80%. In summary, the available evidence is currently insufficient to determine the role of this variant in disease. Therefore, it has been classified as a Variant of Uncertain Significance.

Ambry Genetics
Classification: Uncertain significance for Primary ciliary dyskinesia. Last evaluated: 2025-11-12. Review status: criteria provided, single submitter. Criteria: Ambry Variant Classification Scheme 2023. Collection method: clinical testing. Allele origin: germline.
Comment: The c.877A>T (p.M293L) alteration is located in exon 9 (coding exon 9) of the OFD1 gene. This alteration results from a A to T substitution at nucleotide position 877, causing the methionine (M) at amino acid position 293 to be replaced by a leucine (L). Based on data from gnomAD, the T allele has an overall frequency of 0.002% (3/183207) total alleles studied. The highest observed frequency was 0.022% (1/4516) of Other alleles. Based on insufficient or conflicting evidence, the clinical significance of this alteration remains unclear.